The following is an entry in ClinVar:

NM_032313.4(NOA1):c.1725C>T (p.Asp575=)

Gene: NOA1 (nitric oxide associated 1; minus strand). Cytogenetic location: 4q12.
Variant type: single nucleotide variant.
Coding change: c.1725C>T on transcript NM_032313.4 (MANE Select); coding-DNA position 1725, C replaced by T.
Protein change: p.Asp575=; no amino-acid change (aspartic acid 575 retained).
Molecular consequence: synonymous variant.
Genome position (GRCh38, 1-based): chr4:56,966,659, G>A on the plus strand (C>T on the coding strand, the complement: NOA1 is on the minus strand). VCF-style: chr4-56966659-G-A. GRCh37 (hg19) VCF-style: chr4-57832825-G-A.
Identifiers: ClinVar variation 3341648 (VCV003341648.16).

ClinVar aggregate classification (germline): Likely benign (1 of 4 stars; one submission).

Submission:

CeGaT Center for Human Genetics Tuebingen
Classification: Likely benign. Last evaluated: 2024-08-01. Review status: criteria provided, single submitter. Criteria: CeGaT Center For Human Genetics Tuebingen Variant Classification Criteria Version 2. Collection method: clinical testing. Allele origin: germline. Affected: yes. Observed: 1 variant allele.
Comment: NOA1: BP4, BP7